The following is an entry in ClinVar:

NM_001004334.4(GPR179):c.2252G>A (p.Arg751His)

Gene: GPR179 (G protein-coupled receptor 179; minus strand). Cytogenetic location: 17q12.
Variant type: single nucleotide variant.
Coding change: c.2252G>A on transcript NM_001004334.4 (MANE Select); coding-DNA position 2252, G replaced by A.
Protein change: p.Arg751His; replaces arginine 751 with histidine.
Molecular consequence: missense variant.
Genome position (GRCh38, 1-based): chr17:38,331,317, C>T on the plus strand (G>A on the coding strand, the complement: GPR179 is on the minus strand). VCF-style: chr17-38331317-C-T. GRCh37 (hg19) VCF-style: chr17-36487200-C-T.
Other names: c.2252G>A (NM_001004334.2); short protein forms R751H.
Identifiers: ClinVar variation 1512499 (VCV001512499.7), dbSNP rs373293115, ClinGen allele CA290106008.
Genomic context (GRCh38, chr17:38,331,317, plus strand): 5'-GACTTGTGCAGAGCTGGTGTCCCCTCGGGTTCCTGGAGGCTGGAGCTGAGGAGCCGGCGG[C>T]GGGAGGAGCCGGGCAGGCTGCCGTGGCCTGGGGATCCTGAGTCCCGGGAGTGCTGCCTGG-3'
Protein context (NP_001004334.3, residues 741-761): PGHGSLPGSS[Arg751His]RRLLSSSLQE

ClinVar aggregate classification (germline): Uncertain significance. Review status: criteria provided, multiple submitters, no conflicts (2 of 4 stars). 2 submissions from 2 submitters: Uncertain significance (2). Last evaluated 2025-08-23.

Conditions:
Inborn genetic diseases. Identifiers: MedGen C0950123, MeSH D030342.

Allele frequency attached by ClinVar (database versions not stated): gnomAD exomes 0.00008; ExAC 0.00010; ESP Exome Variant Server 0.00017; gnomAD 0.00024 and 0.00027; TOPMed 0.00030.

Submissions (2):

Ambry Genetics
Classification: Uncertain significance for Inborn genetic diseases. Last evaluated: 2025-08-23. Review status: criteria provided, single submitter. Criteria: Ambry Variant Classification Scheme 2023. Collection method: clinical testing. Allele origin: germline.

Labcorp Genetics (formerly Invitae), Labcorp
Classification: Uncertain significance. Last evaluated: 2025-02-02. Review status: criteria provided, single submitter. Criteria: Invitae Variant Classification Sherloc (09022015). Collection method: clinical testing. Allele origin: germline.
Comment: This sequence change replaces arginine, which is basic and polar, with histidine, which is basic and polar, at codon 751 of the GPR179 protein (p.Arg751His). This variant is present in population databases (rs373293115, gnomAD 0.1%). This variant has not been reported in the literature in individuals affected with GPR179-related conditions. ClinVar contains an entry for this variant (Variation ID: 1512499). An algorithm developed to predict the effect of missense changes on protein structure and function outputs the following: PolyPhen-2: "Benign". The histidine amino acid residue is found in multiple mammalian species, which suggests that this missense change does not adversely affect protein function. In summary, the available evidence is currently insufficient to determine the role of this variant in disease. Therefore, it has been classified as a Variant of Uncertain Significance.